The following is an entry in ClinVar:

NM_002185.5(IL7R):c.83-3C>T

Gene: IL7R (interleukin 7 receptor; plus strand). Cytogenetic location: 5p13.2.
Variant type: single nucleotide variant.
Coding change: c.83-3C>T on transcript NM_002185.5 (MANE Select); 3 bases into the intron before coding-DNA position 83, C replaced by T.
Molecular consequence: intron variant.
Genome position (GRCh38, 1-based): chr5:35,860,849, C>T. VCF-style: chr5-35860849-C-T. GRCh37 (hg19) VCF-style: chr5-35860951-C-T.
Identifiers: ClinVar variation 1038695 (VCV001038695.7), dbSNP rs1759786514, ClinGen allele CA1539068194.
Genomic context (GRCh38, chr5:35,860,849, plus strand): 5'-GCCATATTTCAAAAGGATGCATTTATTTGTTTCATTAACAGCTGCATGTTTGTTCCTCCC[C>T]AGGAGACTTGGAAGATGCAGAACTGGATGACTACTCATTCTCATGCTATAGCCAGTTGGA-3'

ClinVar aggregate classification (germline): Uncertain significance (1 of 4 stars; one submission).

Conditions:
Immunodeficiency 104. Also called: SCID, AUTOSOMAL RECESSIVE, T CELL-NEGATIVE, B CELL-POSITIVE, NK CELL-POSITIVE; Severe combined immunodeficiency, autosomal recessive, T cell-negative, B cell-positive, NK cell-positive; Severe Combined Immune Deficiency, Autosomal Recessive, TCell -Negative, B Cell-Positive, NK Cell-Positive, IL7R-Related; IMMUNODEFICIENCY 104, SEVERE COMBINED. Identifiers: MedGen C5676890, MONDO:0012163, OMIM 608971.

Submission:

Labcorp Genetics (formerly Invitae), Labcorp
Classification: Uncertain significance for Immunodeficiency 104. Last evaluated: 2020-06-21. Review status: criteria provided, single submitter. Criteria: Invitae Variant Classification Sherloc (09022015). Collection method: clinical testing. Allele origin: germline.
Comment: In summary, the available evidence is currently insufficient to determine the role of this variant in disease. Therefore, it has been classified as a Variant of Uncertain Significance. Nucleotide substitutions within the consensus splice site are a relatively common cause of aberrant splicing (PMID: 17576681, 9536098). Algorithms developed to predict the effect of sequence changes on RNA splicing suggest that this variant is not likely to affect RNA splicing, but this prediction has not been confirmed by published transcriptional studies. This variant has not been reported in the literature in individuals with IL7R-related conditions. This variant is not present in population databases (ExAC no frequency). This sequence change falls in intron 1 of the IL7R gene. It does not directly change the encoded amino acid sequence of the IL7R protein, but it affects a nucleotide within the consensus splice site of the intron.

Literature cited by the submitters: PubMed 17576681; PubMed 9536098.